The following is an entry in ClinVar:

ClinVar aggregate classification (germline): Likely benign (1 of 4 stars; one submission).

Submission:

CeGaT Center for Human Genetics Tuebingen
Classification: Likely benign. Last evaluated: 2026-07-01. Review status: criteria provided, single submitter. Criteria: CeGaT Center For Human Genetics Tuebingen Variant Classification Criteria Version 2. Collection method: clinical testing. Allele origin: germline. Affected: yes. Observed: 1 variant allele.
Comment: AHNAK2: BP4, BP7

NM_138420.4(AHNAK2):c.5010G>T (p.Val1670=)

Gene: AHNAK2 (AHNAK nucleoprotein 2; minus strand). Cytogenetic location: 14q32.33.
Variant type: single nucleotide variant.
Coding change: c.5010G>T on transcript NM_138420.4 (MANE Select); coding-DNA position 5010, G replaced by T.
Protein change: p.Val1670=; no amino-acid change (valine 1670 retained).
Molecular consequence: synonymous variant.
Genome position (GRCh38, 1-based): chr14:104,950,441, C>A on the plus strand (G>T on the coding strand, the complement: AHNAK2 is on the minus strand). VCF-style: chr14-104950441-C-A. GRCh37 (hg19) VCF-style: chr14-105416778-C-A.
Other names: c.4710G>T, p.Val1570= (NM_001350929.2).
Identifiers: ClinVar variation 5038756 (VCV005038756.1).